The following is an entry in ClinVar:

ClinVar aggregate classification (germline): Conflicting classifications of pathogenicity. Review status: criteria provided, conflicting classifications (1 of 4 stars). 17 submissions from 17 submitters: Uncertain significance (4); Benign (1); Likely benign (9). 3 of the submissions do not count toward it. Last evaluated 2026-03-01.

Conditions:
BRCA2-related disorder. Also called: BRCA2-related condition; BRCA2-related disorders. Identifiers: MedGen CN239275.
Hereditary cancer-predisposing syndrome. Also called: Neoplastic Syndromes, Hereditary; Tumor predisposition; Hereditary Cancer Syndrome; Hereditary neoplastic syndrome. Identifiers: Orphanet 140162, MedGen C0027672, MeSH D009386, MONDO:0015356.
Hereditary breast ovarian cancer syndrome. Also called: Hereditary breast and ovarian cancer; Breast and ovarian cancer; Hereditary breast and/or ovarian cancer syndrome; Hereditary breast and ovarian cancer syndrome (HBOC); Hereditary breast and ovarian cancer syndrome; BRCA1- and BRCA2-Associated Hereditary Breast and Ovarian Cancer. Identifiers: Orphanet 145, MedGen C0677776, MeSH D061325, MONDO:0003582. Disease mechanism: loss of function.
Breast-ovarian cancer, familial, susceptibility to, 2 (BROVCA2). Also called: BRCA2 Hereditary Breast and Ovarian Cancer. Identifiers: Orphanet 145, MedGen C2675520, MONDO:0012933, OMIM 612555. Disease mechanism: loss of function.

Allele frequency attached by ClinVar (database versions not stated): gnomAD 0.00001; TOPMed 0.00003.
gnomAD v4.1: 8 of 1,613,852 alleles (0.0005%); highest among the groups gnomAD compares: Non-Finnish European, 0.00059%; no homozygotes.

Submissions (17):

CeGaT Center for Human Genetics Tuebingen
Classification: Likely benign. Last evaluated: 2026-03-01. Review status: criteria provided, single submitter. Criteria: CeGaT Center For Human Genetics Tuebingen Variant Classification Criteria Version 2. Collection method: clinical testing. Allele origin: germline. Affected: yes. Observed: 1 variant allele.
Comment: BRCA2: BP4

Women's Health and Genetics/Laboratory Corporation of America, LabCorp
Classification: Uncertain significance. Last evaluated: 2026-01-14. Review status: criteria provided, single submitter. Criteria: LabCorp Variant Classification Summary - May 2015. Collection method: clinical testing. Allele origin: germline.
Comment: Variant summary: BRCA2 c.5882G>A (p.Ser1961Asn) results in a conservative amino acid change located in the BRCA2 repeat region, between the repeats BRC6 and BRC7 (IPR002093) of the encoded protein sequence. Algorithms developed to predict the effect of missense changes on protein structure and function all suggest that this variant is likely to be tolerated. The variant allele was found at a frequency of 8e-06 in 250986 control chromosomes (gnomAD). The available data on variant occurrences in the general population are insufficient to allow any conclusion about variant significance. c.5882G>A has been reported in the literature in individuals affected with Hereditary Breast and Ovarian Cancer (Blay_2013, Infante_2006, Velasco_2005). These reports do not provide unequivocal conclusions about association of the variant with Hereditary Breast And Ovarian Cancer Syndrome. One co-occurrences with another pathogenic variant has been reported (BRCA1 c.3331_3334delCAAG, p.Gln1111fsX5 in the BIC database), providing supporting evidence for a benign role. To our knowledge, no experimental evidence demonstrating an impact on protein function has been reported. The following publications have been ascertained in the context of this evaluation (PMID: 23683081, 16758124, 15937982). ClinVar contains an entry for this variant (Variation ID: 38004). Based on the evidence outlined above, the variant was classified as VUS-possibly benign.

PreventionGenetics, part of Exact Sciences
Classification: Likely benign for BRCA2-related condition. Last evaluated: 2025-11-12. Review status: criteria provided, single submitter. Criteria: ACMG Guidelines, 2015. Collection method: clinical testing. Allele origin: germline.
Comment: This variant is classified as likely benign based on ACMG/AMP sequence variant interpretation guidelines (Richards et al. 2015 PMID: 25741868, with internal and published modifications).

Labcorp Genetics (formerly Invitae), Labcorp
Classification: Likely benign for Hereditary breast ovarian cancer syndrome. Last evaluated: 2025-09-29. Review status: criteria provided, single submitter. Criteria: Invitae Variant Classification Sherloc (09022015). Collection method: clinical testing. Allele origin: germline.

ARUP Laboratories, Molecular Genetics and Genomics, ARUP Laboratories
Classification: Likely benign. Last evaluated: 2025-03-11. Review status: criteria provided, single submitter. Criteria: ARUP Molecular Germline Variant Investigation Process 2024. Collection method: clinical testing. Allele origin: germline.

Quest Diagnostics Nichols Institute San Juan Capistrano
Classification: Uncertain significance. Last evaluated: 2023-08-01. Review status: criteria provided, single submitter. Criteria: Quest Diagnostics criteria. Collection method: clinical testing. Allele origin: unknown.
Comment: In the published literature, this variant has been reported in individuals with breast and/or ovarian cancer (PMIDs: 23683081 (2013), 16758124 (2006), 15937982 (2005)). Additionally, the variant has been characterized as being a variant of uncertain significance in a multifactorial likelihood study (PMID: 31131967 (2019)). The frequency of this variant in the general population, 0.000046 (1/21644 chromosomes (Genome Aggregation Database)), is uninformative in the assessment of its pathogenicity. Analysis of this variant using bioinformatics tools for the prediction of the effect of amino acid changes on protein structure and function yielded predictions that this variant is benign. Based on the available information, we are unable to determine the clinical significance of this variant.

University of Washington Department of Laboratory Medicine, University of Washington
Classification: Likely benign for Hereditary cancer-predisposing syndrome. Last evaluated: 2023-03-23. Review status: criteria provided, single submitter. Criteria: Dines et al. (Genet Med. 2020). Collection method: curation. Allele origin: germline.
Comment: Missense variant in a coldspot region where missense variants are very unlikely to be pathogenic (PMID:31911673).

BRCA2 exon 11 coldspot. Reclassification based on statistical prior probability.

Institute for Clinical Genetics, University Hospital TU Dresden, University Hospital TU Dresden
Classification: Uncertain significance. Last evaluated: 2021-11-03. Review status: criteria provided, single submitter. Criteria: ACMG Guidelines, 2015. Collection method: clinical testing. Allele origin: germline.

Sema4
Classification: Uncertain significance for Hereditary cancer-predisposing syndrome. Last evaluated: 2021-09-19. Review status: criteria provided, single submitter. Criteria: Sema4 Curation Guidelines. Collection method: curation. Allele origin: germline.
Comment: The BRCA2 c.5882G>A (p.S1961N) variant has been reported in heterozygosity in at least three individuals with breast and/or ovarian cancer (PMID: 16758124, 23683081, 33078592). It is also known as c.6110G>A in the literature. This variant was observed in 2/250986 chromosomes among all subpopulations in the Genome Aggregation Database (PMID: 32461654). This variant has been reported in ClinVar (Variation ID: 38004). In silico tools suggest the impact of the variant on protein function is benign, though these predictions have not been confirmed by functional studies. Based on the current evidence available, this variant is interpreted as a variant of uncertain significance.

Mendelics
Classification: Likely benign for Breast-ovarian cancer, familial, susceptibility to, 2. Last evaluated: 2019-05-28. Review status: criteria provided, single submitter. Criteria: Mendelics Assertion Criteria 2017. Collection method: clinical testing. Allele origin: unknown.

Blueprint Genetics
Classification: Likely benign. Last evaluated: 2019-05-23. Review status: criteria provided, single submitter. Criteria: ACMG Guidelines, 2015. Collection method: clinical testing. Allele origin: germline.

GeneDx
Classification: Likely benign. Last evaluated: 2019-05-14. Review status: criteria provided, single submitter. Criteria: GeneDx Variant Classification Process June 2021. Collection method: clinical testing. Allele origin: germline. Affected: yes.
Comment: This variant is associated with the following publications: (PMID: 23683081, 16758124, 15937982)

Ambry Genetics
Classification: Likely benign for Hereditary cancer-predisposing syndrome. Last evaluated: 2018-11-21. Review status: criteria provided, single submitter. Criteria: Ambry Variant Classification Scheme 2023. Collection method: clinical testing. Allele origin: germline.

Color Diagnostics, LLC DBA Color Health
Classification: Benign for Hereditary cancer-predisposing syndrome. Last evaluated: 2016-12-21. Review status: criteria provided, single submitter. Criteria: ACMG Guidelines, 2015. Collection method: clinical testing. Allele origin: germline.

Counsyl
Classification: Uncertain significance for Breast-ovarian cancer, familial, susceptibility to, 2. Last evaluated: 2017-01-04. Review status: no assertion criteria provided. Collection method: clinical testing. Allele origin: unknown. Not counted in ClinVar's aggregate classification.

Sharing Clinical Reports Project (SCRP)
Classification: Benign for Breast-ovarian cancer, familial 2. Last evaluated: 2012-03-12. Review status: no assertion criteria provided. Collection method: clinical testing. Allele origin: germline. Not counted in ClinVar's aggregate classification.

Breast Cancer Information Core (BIC) (BRCA2)
Classification: Uncertain significance for Breast-ovarian cancer, familial 2. Last evaluated: 2002-06-20. Review status: no assertion criteria provided. Collection method: clinical testing. Allele origin: germline. Affected: yes. Observed: 1 variant allele. Not counted in ClinVar's aggregate classification.

Literature cited by the submitters: PubMed 15937982 (cited by 3 submitters); PubMed 23683081 (cited by 5 submitters); PubMed 16758124 (cited by 4 submitters); PubMed 31131967 (cited by Quest Diagnostics Nichols Institute San Juan Capistrano); PubMed 31837001 (cited by Quest Diagnostics Nichols Institute San Juan Capistrano); PubMed 33078592 (cited by Quest Diagnostics Nichols Institute San Juan Capistrano and Sema4); PubMed 31911673 (cited by Quest Diagnostics Nichols Institute San Juan Capistrano); PubMed 10923033 (cited by Quest Diagnostics Nichols Institute San Juan Capistrano).

NM_000059.4(BRCA2):c.5882G>A (p.Ser1961Asn)

Gene: BRCA2 (BRCA2 DNA repair associated; plus strand). Cytogenetic location: 13q13.1.
Variant type: single nucleotide variant.
Coding change: c.5882G>A on transcript NM_000059.4 (MANE Select); coding-DNA position 5882, G replaced by A.
Protein change: p.Ser1961Asn; replaces serine 1961 with asparagine.
Molecular consequence: missense variant.
Genome position (GRCh38, 1-based): chr13:32,340,237, G>A. VCF-style: chr13-32340237-G-A. GRCh37 (hg19) VCF-style: chr13-32914374-G-A.
Other names: 6110G>A; short protein forms S1961N.
Identifiers: ClinVar variation 38004 (VCV000038004.37), dbSNP rs80358820, ClinGen allele CA023336.